The following is an entry in ClinVar:

ClinVar aggregate classification (germline): Conflicting classifications of pathogenicity. Review status: criteria provided, conflicting classifications (1 of 4 stars). 4 submissions from 3 submitters: Uncertain significance (2); Likely benign (2). Last evaluated 2024-10-23.

Conditions:
Type 2 collagenopathy. Identifiers: Orphanet 93421, MedGen C2931073, MONDO:0022800.
Stickler syndrome type 1 (STL1). Also called: COL2A1-Related Stickler Syndrome; STICKLER SYNDROME, MEMBRANOUS VITREOUS TYPE; STICKLER SYNDROME, VITREOUS TYPE 1; ARTHROOPHTHALMOPATHY, HEREDITARY PROGRESSIVE. Identifiers: Orphanet 828, Orphanet 90653, MedGen C2020284, MONDO:0007160, OMIM 108300.

Allele frequency attached by ClinVar (database versions not stated): gnomAD exomes below 0.00001; gnomAD 0.00001.
gnomAD v4.1: 6 of 1,613,158 alleles (0.00037%); highest among the groups gnomAD compares: South Asian, 0.0033%; no homozygotes.

Submissions (4):

Labcorp Genetics (formerly Invitae), Labcorp
Classification: Likely benign. Last evaluated: 2024-10-23. Review status: criteria provided, single submitter. Criteria: Invitae Variant Classification Sherloc (09022015). Collection method: clinical testing. Allele origin: germline.

Blueprint Genetics
Classification: Likely benign. Last evaluated: 2024-10-09. Review status: criteria provided, single submitter. Criteria: ACMG Guidelines, 2015. Collection method: clinical testing. Allele origin: germline.

Illumina Laboratory Services, Illumina
Classification: Uncertain significance for Stickler syndrome type 1. Last evaluated: 2017-04-27. Review status: criteria provided, single submitter. Criteria: ICSL Variant Classification Criteria 13 December 2019. Collection method: clinical testing. Allele origin: germline.
Comment: This variant was observed as part of a predisposition screen in an ostensibly healthy population. A literature search was performed for the gene, cDNA change, and amino acid change (where applicable). Publications were found based on this search. However, the evidence from the literature, in combination with allele frequency data from public databases where available, was not sufficient to rule this variant in or out of causing disease. Therefore, this variant is classified as a variant of unknown significance.

Illumina Laboratory Services, Illumina
Classification: Uncertain significance for Type II Collagenopathies. Last evaluated: 2017-04-27. Review status: criteria provided, single submitter. Criteria: ICSL Variant Classification Criteria 13 December 2019. Collection method: clinical testing. Allele origin: germline.
Comment: the same text as in the submission from Illumina Laboratory Services, Illumina above.

Literature cited by the submitters: PubMed 17638425 (cited by Illumina Laboratory Services, Illumina).

NM_001844.5(COL2A1):c.2805C>T (p.Ser935=)

Gene: COL2A1 (collagen type II alpha 1 chain; minus strand). Cytogenetic location: 12q13.11.
Variant type: single nucleotide variant.
Coding change: c.2805C>T on transcript NM_001844.5 (MANE Select); coding-DNA position 2805, C replaced by T.
Protein change: p.Ser935=; no amino-acid change (serine 935 retained).
Molecular consequence: synonymous variant.
Genome position (GRCh38, 1-based): chr12:47,978,687, G>A on the plus strand (C>T on the coding strand, the complement: COL2A1 is on the minus strand). VCF-style: chr12-47978687-G-A. GRCh37 (hg19) VCF-style: chr12-48372470-G-A.
Other names: c.2598C>T, p.Ser866= (NM_033150.3).
Identifiers: ClinVar variation 881179 (VCV000881179.13), dbSNP rs948633441, ClinGen allele CA236521970.